The following is an entry in ClinVar:

ClinVar aggregate classification (germline): Uncertain significance (1 of 4 stars; one submission).

Conditions:
Juvenile polyposis syndrome (JPS). Identifiers: Orphanet 2929, MedGen C0345893, MONDO:0017380, OMIM 174900.

Submission:

Labcorp Genetics (formerly Invitae), Labcorp
Classification: Uncertain significance for Juvenile polyposis syndrome. Last evaluated: 2021-07-25. Review status: criteria provided, single submitter. Criteria: Invitae Variant Classification Sherloc (09022015). Collection method: clinical testing. Allele origin: germline.
Comment: This variant has not been reported in the literature in individuals affected with SMAD4-related conditions. This variant is not present in population databases (ExAC no frequency). This sequence change inserts a large fragment of DNA, likely a transposable element, in intron 7 of the SMAD4 gene (c.904+16_904+17ins?). It does not directly change the encoded amino acid sequence of the SMAD4 protein. The exact size and sequence of the insertion cannot be determined by the current assay. In summary, the available evidence is currently insufficient to determine the role of this variant in disease. Therefore, it has been classified as a Variant of Uncertain Significance. Experimental studies and prediction algorithms are not available or were not evaluated, and the effect of this variant on mRNA splicing is currently unknown.

NM_005359.6(SMAD4):c.904+16_904+17insTTTTTTTTTTTTTTTTTTTTNNNNNNNNNNCATGCTGTTTTGGTTACTGTAGCCTTGTATGATAGTTTGAAGTCAGGTTGTGTGATTCCTCCAGCTTTGTTCTTTTGGAGTAAGCTCTTGTTTTT

Gene: SMAD4 (SMAD family member 4; plus strand). Cytogenetic location: 18q21.2.
Variant type: Insertion.
Coding change: c.904+16_904+17insTTTTTTTTTTTTTTTTTTTTNNNNNNNNNNCATGCTGTTTTGGTTACTGTAGCCTTGTATGATAGTTTGAAGTCAGGTTGTGTGATTCCTCCAGCTTTGTTCTTTTGGAGTAAGCTCTTGTTTTT on transcript NM_005359.6 (MANE Select); bases 16 to 17 of the intron after coding-DNA position 904, TTTTTTTTTTTTTTTTTTTTNNNNNNNNNNCATGCTGTTTTGGTTACTGTAGCCTTGTATGATAGTTTGAAGTCAGGTTGTGTGATTCCTCCAGCTTTGTTCTTTTGGAGTAAGCTCTTGTTTTT inserted.
Molecular consequence: splice donor variant.
Genome position: GRCh38: chr18:51,058,472-51,058,473. GRCh37 (hg19): chr18:48,584,842-48,584,843.
Identifiers: ClinVar variation 1369792 (VCV001369792.6), dbSNP rs2144429509.